The following is an entry in ClinVar:

ClinVar aggregate classification (germline): Uncertain significance (1 of 4 stars; one submission).

Conditions:
Progressive sclerosing poliodystrophy (MTDPS4A). Also called: ALPERS PROGRESSIVE INFANTILE POLIODYSTROPHY; NEURONAL DEGENERATION OF CHILDHOOD WITH LIVER DISEASE, PROGRESSIVE; Alpers Syndrome; ALPERS DIFFUSE DEGENERATION OF CEREBRAL GRAY MATTER WITH HEPATIC CIRRHOSIS; Alpers-Huttenlocher Syndrome; Mitochondrial DNA depletion syndrome 4A (Alpers type). Identifiers: Orphanet 726, MedGen C0205710, MONDO:0008758, OMIM 203700.

gnomAD v4.1: 1 of 1,613,692 alleles (0.000062%); highest among the groups gnomAD compares: Non-Finnish European, 0.000085%; no homozygotes.

Submission:

Labcorp Genetics (formerly Invitae), Labcorp
Classification: Uncertain significance for Progressive sclerosing poliodystrophy. Last evaluated: 2022-08-12. Review status: criteria provided, single submitter. Criteria: Invitae Variant Classification Sherloc (09022015). Collection method: clinical testing. Allele origin: germline.
Comment: This sequence change replaces proline, which is neutral and non-polar, with arginine, which is basic and polar, at codon 570 of the POLG protein (p.Pro570Arg). This variant is not present in population databases (gnomAD no frequency). This variant has not been reported in the literature in individuals affected with POLG-related conditions. ClinVar contains an entry for this variant (Variation ID: 1415682). Algorithms developed to predict the effect of missense changes on protein structure and function are either unavailable or do not agree on the potential impact of this missense change (SIFT: "Deleterious"; PolyPhen-2: "Probably Damaging"; Align-GVGD: "Class C0"). Algorithms developed to predict the effect of sequence changes on RNA splicing suggest that this variant may create or strengthen a splice site. In summary, the available evidence is currently insufficient to determine the role of this variant in disease. Therefore, it has been classified as a Variant of Uncertain Significance.

NM_002693.3(POLG):c.1709C>G (p.Pro570Arg)

Gene: POLG (DNA polymerase gamma, catalytic subunit; minus strand). Cytogenetic location: 15q26.1.
Variant type: single nucleotide variant.
Coding change: c.1709C>G on transcript NM_002693.3 (MANE Select); coding-DNA position 1709, C replaced by G.
Protein change: p.Pro570Arg; replaces proline 570 with arginine.
Molecular consequence: missense variant.
Genome position (GRCh38, 1-based): chr15:89,326,615, G>C on the plus strand (C>G on the coding strand, the complement: POLG is on the minus strand). VCF-style: chr15-89326615-G-C. GRCh37 (hg19) VCF-style: chr15-89869846-G-C.
Other names: c.1709C>G, p.Pro570Arg (NM_001126131.2); short protein forms P570R.
Identifiers: ClinVar variation 1415682 (VCV001415682.5), dbSNP rs780695124, ClinGen allele CA393760422.
Genomic context (GRCh38, chr15:89,326,615, plus strand): 5'-CTGAGAATGGAGCAAGGGTAGACTCTAGATACACTGCTGGGGGTGGGCAGGGCTCACCCA[G>C]GGTGTCCAGGAAGGTGCTGGGGCCGCTTGGGCAGGAGCTCTGTGGTCCCCTTCAGCTTCT-3'
Protein context (NP_002684.1, residues 560-580): PKRPQHLPGH[Pro570Arg]GWYRKLCPRL